The following is an entry in ClinVar:

ClinVar aggregate classification (germline): Conflicting classifications of pathogenicity. Review status: criteria provided, conflicting classifications (1 of 4 stars). 6 submissions from 6 submitters: Uncertain significance (2); Likely benign (2). 2 of the submissions do not count toward it. Last evaluated 2025-08-07.

Conditions:
MYH9-related disorder. Identifiers: MedGen C1854520.
Macrothrombocytopenia and granulocyte inclusions with or without nephritis or sensorineural hearing loss (MATINS). Also called: BLEEDING DISORDER, PLATELET-TYPE, 6; DOHLE LEUKOCYTE INCLUSIONS WITH GIANT PLATELETS; MACROTHROMBOCYTOPENIA WITH LEUKOCYTE INCLUSIONS; MYH9-Related Disease (MYH9-RD); MAY-HEGGLIN ANOMALY; SEBASTIAN PLATELET SYNDROME. Identifiers: Orphanet 182050, MedGen C5200934, MONDO:0015912, OMIM 155100.

Allele frequency attached by ClinVar (database versions not stated): ESP Exome Variant Server 0.00008; 1000 Genomes Project 0.00020; 1000 Genomes Project 30x 0.00031.

Submissions (6):

Labcorp Genetics (formerly Invitae), Labcorp
Classification: Uncertain significance. Last evaluated: 2025-08-07. Review status: criteria provided, single submitter. Criteria: Invitae Variant Classification Sherloc (09022015). Collection method: clinical testing. Allele origin: germline.
Comment: This sequence change replaces valine, which is neutral and non-polar, with methionine, which is neutral and non-polar, at codon 1280 of the MYH9 protein (p.Val1280Met). This variant is present in population databases (rs141582478, gnomAD 0.01%). This missense change has been observed in individual(s) with clinical features of MYH9-related conditions (PMID: 28780565, 34619682). ClinVar contains an entry for this variant (Variation ID: 1219716). An algorithm developed to predict the effect of missense changes on protein structure and function (PolyPhen-2) suggests that this variant is likely to be tolerated. In summary, the available evidence is currently insufficient to determine the role of this variant in disease. Therefore, it has been classified as a Variant of Uncertain Significance.

Blueprint Genetics
Classification: Likely benign. Last evaluated: 2024-11-13. Review status: criteria provided, single submitter. Criteria: ACMG Guidelines, 2015. Collection method: clinical testing. Allele origin: germline.

Mayo Clinic Laboratories, Mayo Clinic
Classification: Uncertain significance. Last evaluated: 2022-07-01. Review status: criteria provided, single submitter. Criteria: ACMG Guidelines, 2015. Collection method: clinical testing. Allele origin: germline. Observed: 2 variant alleles.
Comment: BP5

GeneDx
Classification: Likely benign. Last evaluated: 2021-05-07. Review status: criteria provided, single submitter. Criteria: GeneDx Variant Classification Process June 2021. Collection method: clinical testing. Allele origin: germline. Affected: yes.
Comment: This variant is associated with the following publications: (PMID: 28780565)

PreventionGenetics, part of Exact Sciences
Classification: Uncertain significance for MYH9-related condition. Last evaluated: 2024-04-24. Review status: no assertion criteria provided. Collection method: clinical testing. Allele origin: germline. Not counted in ClinVar's aggregate classification.
Comment: The MYH9 c.3838G>A variant is predicted to result in the amino acid substitution p.Val1280Met. This variant was reported in an individual with steroid resistant nephrotic syndrome (Supplementary Table 3 in Sen et al. 2017. PubMed ID: 28780565), and in a patient with common variable immunodeficiency (Sogkas et al 2021. PubMed ID: 34619682). This variant is reported in 0.011% of alleles in individuals of European (Non-Finnish) descent in gnomAD. In ClinVar this variant has conflicting interpretations regarding its pathogenicity ranging from likely benign to uncertain. Although we suspect that this variant my be benign, at this time, the clinical significance of this variant is uncertain due to the absence of conclusive functional and genetic evidence.

Zotz-Klimas Genetics Lab, MVZ Zotz Klimas
Classification: Uncertain significance for Macrothrombocytopenia and granulocyte inclusions with or without nephritis or sensorineural hearing loss. Last evaluated: 2023-10-30. Review status: no assertion criteria provided. Collection method: clinical testing. Allele origin: germline. Affected: yes. Not counted in ClinVar's aggregate classification.

Literature cited by the submitters: PubMed 28780565 (cited by Labcorp Genetics (formerly Invitae), Labcorp and Mayo Clinic Laboratories, Mayo Clinic); PubMed 34619682 (cited by Labcorp Genetics (formerly Invitae), Labcorp and Mayo Clinic Laboratories, Mayo Clinic).

NM_002473.6(MYH9):c.3838G>A (p.Val1280Met)

Gene: MYH9 (myosin heavy chain 9; minus strand). Cytogenetic location: 22q12.3.
Variant type: single nucleotide variant.
Coding change: c.3838G>A on transcript NM_002473.6 (MANE Select); coding-DNA position 3838, G replaced by A.
Protein change: p.Val1280Met; replaces valine 1280 with methionine.
Molecular consequence: missense variant.
Genome position (GRCh38, 1-based): chr22:36,293,863, C>T on the plus strand (G>A on the coding strand, the complement: MYH9 is on the minus strand). VCF-style: chr22-36293863-C-T. GRCh37 (hg19) VCF-style: chr22-36689909-C-T.
Other names: p.Val1280Met; c.3838G>A (NM_002473.5); short protein forms V1280M.
Identifiers: ClinVar variation 1219716 (VCV001219716.13), dbSNP rs141582478, ClinGen allele CA10209539.
Genomic context (GRCh38, chr22:36,293,863, plus strand): 5'-TGAGCTTGCTGGACTTGCTGTCGGACTGGCTGAGAAGCCCGGTCACGTTGTCCAGCTCCA[C>T]CTGCACCGGGCGGGGAGACACAAAGGACCATGGACCCACCCCCACTGCTCCTGCCCCACC-3'
Protein context (NP_002464.1, residues 1270-1290): ELADKVTKLQ[Val1280Met]ELDNVTGLLS